The following is an entry in ClinVar:

ClinVar aggregate classification (germline): Uncertain significance. Review status: criteria provided, multiple submitters, no conflicts (2 of 4 stars). 3 submissions from 3 submitters: Uncertain significance (2). 1 of the submissions does not count toward it. Last evaluated 2024-03-25.

Conditions:
Inborn genetic diseases. Identifiers: MedGen C0950123, MeSH D030342.
Cohen syndrome (COH1). Also called: PEPPER SYNDROME; Cutis verticis gyrata, retinitis pigmentosa, and sensorineural deafness. Identifiers: Orphanet 193, MedGen C0265223, MONDO:0008999, OMIM 216550.
VPS13B-related disorder. Also called: VPS13B-related condition.

Allele frequency attached by ClinVar (database versions not stated): gnomAD exomes below 0.00001.
gnomAD v4.1: 2 of 1,614,170 alleles (0.00012%); highest among the groups gnomAD compares: Non-Finnish European, 0.00017%; no homozygotes.

Submissions (3):

Ambry Genetics
Classification: Uncertain significance for Inborn genetic diseases. Last evaluated: 2024-03-25. Review status: criteria provided, single submitter. Criteria: Ambry Variant Classification Scheme 2023. Collection method: clinical testing. Allele origin: germline.

Labcorp Genetics (formerly Invitae), Labcorp
Classification: Uncertain significance for Cohen syndrome. Last evaluated: 2021-08-31. Review status: criteria provided, single submitter. Criteria: Invitae Variant Classification Sherloc (09022015). Collection method: clinical testing. Allele origin: germline.
Comment: This sequence change replaces serine with glycine at codon 1812 of the VPS13B protein (p.Ser1812Gly). The serine residue is moderately conserved and there is a small physicochemical difference between serine and glycine. This variant is not present in population databases (ExAC no frequency). This variant has not been reported in the literature in individuals affected with VPS13B-related conditions. Algorithms developed to predict the effect of missense changes on protein structure and function are either unavailable or do not agree on the potential impact of this missense change (SIFT: "Not Available"; PolyPhen-2: "Possibly Damaging"; Align-GVGD: "Not Available"). In summary, the available evidence is currently insufficient to determine the role of this variant in disease. Therefore, it has been classified as a Variant of Uncertain Significance.

PreventionGenetics, part of Exact Sciences
Classification: Uncertain significance for VPS13B-related condition. Last evaluated: 2024-03-13. Review status: no assertion criteria provided. Collection method: clinical testing. Allele origin: germline. Not counted in ClinVar's aggregate classification.
Comment: The VPS13B c.5359A>G variant is predicted to result in the amino acid substitution p.Ser1787Gly. To our knowledge, this variant has not been reported in the literature or in a large population database, indicating this variant is rare. At this time, the clinical significance of this variant is uncertain due to the absence of conclusive functional and genetic evidence.

NM_152564.5(VPS13B):c.5359A>G (p.Ser1787Gly)

Gene: VPS13B (vacuolar protein sorting 13 homolog B; plus strand). Cytogenetic location: 8q22.2.
Variant type: single nucleotide variant.
Coding change: c.5359A>G on transcript NM_152564.5 (MANE Select); coding-DNA position 5359, A replaced by G.
Protein change: p.Ser1787Gly; replaces serine 1787 with glycine.
Molecular consequence: missense variant.
Genome position (GRCh38, 1-based): chr8:99,641,949, A>G. VCF-style: chr8-99641949-A-G. GRCh37 (hg19) VCF-style: chr8-100654177-A-G.
Other names: c.5434A>G (NM_017890.3); c.5434A>G, p.Ser1812Gly (NM_017890.5); c.5359A>G (NM_152564.4); short protein forms S1787G, S1812G.
Identifiers: ClinVar variation 1363861 (VCV001363861.5), dbSNP rs905918713, ClinGen allele CA183013535.